The following is an entry in ClinVar:

ClinVar aggregate classification (germline): Uncertain significance (1 of 4 stars; one submission).

Conditions:
Dilated cardiomyopathy 1G (CMD1G). Identifiers: Orphanet 154, MedGen C1858763, MONDO:0011400, OMIM 604145.
Autosomal recessive limb-girdle muscular dystrophy type 2J (LGMDR10). Also called: MUSCULAR DYSTROPHY, LIMB-GIRDLE, AUTOSOMAL RECESSIVE 10; Limb-girdle muscular dystrophy, type 2J. Identifiers: Orphanet 140922, MedGen C1837342, MONDO:0012127, OMIM 608807.

Allele frequency attached by ClinVar (database versions not stated): gnomAD exomes below 0.00001; gnomAD 0.00001; TOPMed 0.00001; ExAC 0.00002; ESP Exome Variant Server 0.00008.
gnomAD v4.1: 7 of 1,613,872 alleles (0.00043%); highest among the groups gnomAD compares: Middle Eastern, 0.016%; no homozygotes.

Submission:

Labcorp Genetics (formerly Invitae), Labcorp
Classification: Uncertain significance for Dilated cardiomyopathy 1G; Autosomal recessive limb-girdle muscular dystrophy type 2J. Last evaluated: 2024-02-29. Review status: criteria provided, single submitter. Criteria: Invitae Variant Classification Sherloc (09022015). Collection method: clinical testing. Allele origin: germline.
Comment: This sequence change replaces lysine, which is basic and polar, with threonine, which is neutral and polar, at codon 34459 of the TTN protein (p.Lys34459Thr). This variant is present in population databases (rs374268656, gnomAD 0.002%). This variant has not been reported in the literature in individuals affected with TTN-related conditions. ClinVar contains an entry for this variant (Variation ID: 2424051). Experimental studies and prediction algorithms are not available or were not evaluated, and the functional significance of this variant is currently unknown. This variant is located in the M band of TTN (PMID: 25589632). Non-truncating variants in this region may be relevant for neuromuscular disorders, but have not been definitively shown to cause cardiomyopathy (PMID: 23975875). In summary, the available evidence is currently insufficient to determine the role of this variant in disease. Therefore, it has been classified as a Variant of Uncertain Significance.

Literature cited by the submitters: PubMed 25589632; PubMed 23975875.

NM_001267550.2(TTN):c.103376A>C (p.Lys34459Thr)

Genes: TTN (titin; minus strand), TTN-AS1 (TTN antisense RNA 1; plus strand). Cytogenetic location: 2q31.2.
Variant type: single nucleotide variant.
Coding change: c.103376A>C on transcript NM_001267550.2 (MANE Select); coding-DNA position 103376, A replaced by C.
Protein change: p.Lys34459Thr; replaces lysine 34459 with threonine.
Molecular consequence: missense variant.
Genome position (GRCh38, 1-based): chr2:178,533,239, T>G on the plus strand (A>C on the coding strand, the complement: TTN is on the minus strand). VCF-style: chr2-178533239-T-G. GRCh37 (hg19) VCF-style: chr2-179397966-T-G.
Other names: c.98453A>C, p.Lys32818Thr (NM_001256850.1); c.76181A>C, p.Lys25394Thr (NM_003319.4); c.95672A>C, p.Lys31891Thr (NM_133378.4); c.76556A>C, p.Lys25519Thr (NM_133432.3); c.76757A>C, p.Lys25586Thr (NM_133437.4); short protein forms K25394T, K25519T, K25586T, K31891T, K32818T, K34459T.
Identifiers: ClinVar variation 2424051 (VCV002424051.7), dbSNP rs374268656, ClinGen allele CA1985613.
Genomic context (GRCh38, chr2:178,533,239, plus strand): 5'-TTGTCAATTTGTTTTTGTACGTGTCGCTCATGCTCCTCCTTACTCTTGAATTCCTGTTTC[T>G]TGTACCTCAGGCGTTCCACTTGTAGGTGAGCCTGGCAGCTGGTGGACCCAGCTGTGTTAG-3'
Protein context (NP_001254479.2, residues 34449-34469): AHLQVERLRY[Lys34459Thr]KQEFKSKEEH